The following is an entry in ClinVar:

NC_000023.10:g.(?_100624966)_(100641212_?)del

Gene: BTK (Bruton tyrosine kinase; minus strand). Cytogenetic location: Xq22.1.
Variant type: Deletion.
Identifiers: ClinVar variation 3243976 (VCV003243976.1).

ClinVar aggregate classification (germline): Pathogenic (1 of 4 stars; one submission).

Conditions:
X-linked agammaglobulinemia with growth hormone deficiency (IGHD3). Also called: AGAMMAGLOBULINEMIA AND ISOLATED GROWTH HORMONE DEFICIENCY, X-LINKED; FLEISHER SYNDROME; HYPOGAMMAGLOBULINEMIA AND ISOLATED GROWTH HORMONE DEFICIENCY, X-LINKED; IGHD III; Isolated growth hormone deficiency type 3; Growth hormone deficiency with hypogammaglobulinemia. Identifiers: Orphanet 231692, Orphanet 631, MedGen C0472813, MONDO:0010615, OMIM 307200.

Submission:

Labcorp Genetics (formerly Invitae), Labcorp
Classification: Pathogenic for X-linked agammaglobulinemia with growth hormone deficiency. Last evaluated: 2023-01-20. Review status: criteria provided, single submitter. Criteria: Invitae Variant Classification Sherloc (09022015). Collection method: clinical testing. Allele origin: unknown.
Comment: For these reasons, this variant has been classified as Pathogenic. This variant has not been reported in the literature in individuals affected with BTK-related conditions. This variant is a gross deletion of the genomic region encompassing exon(s) 1-5 of the BTK gene, which includes the initiator codon. This deletion extends beyond the assayed region for this gene and therefore may encompass additional genes. It is expected to result in an absent or disrupted protein product. Loss-of-function variants in BTK are known to be pathogenic (PMID: 15661032, 16862044, 19419768).

Literature cited by the submitters: PubMed 15661032; PubMed 16862044; PubMed 19419768.